The following is an entry in ClinVar:

NM_001080517.3(SETD5):c.1248del (p.Asn417fs)

Gene: SETD5 (SET domain containing 5; plus strand). Cytogenetic location: 3p25.3.
Variant type: Deletion.
Coding change: c.1248del on transcript NM_001080517.3 (MANE Select); coding-DNA position 1248, one base deleted (G; older notation c.1248delG).
Protein change: p.Asn417fs; shifts the reading frame from asparagine 417.
Molecular consequence: frameshift variant.
Genome position (GRCh38, 1-based): chr3:9,445,108, G deleted; the last of 2 consecutive G bases (chr3:9,445,107-9,445,108); deleting either gives the same sequence. VCF-style (leftmost placement, unchanged base first): chr3-9445106-AG-A. GRCh37 (hg19) VCF-style: chr3-9486790-AG-A.
Other names: c.954del, p.Asn319fs (NM_001292043.2, NM_001349451.2); short protein forms N319fs, N417fs.
Identifiers: ClinVar variation 1220311 (VCV001220311.3), dbSNP rs2125235547, ClinGen allele CA2499217002.

ClinVar aggregate classification (germline): Pathogenic (1 of 4 stars; one submission).

Submission:

GeneDx
Classification: Pathogenic. Last evaluated: 2019-05-03. Review status: criteria provided, single submitter. Criteria: GeneDx Variant Classification Process June 2021. Collection method: clinical testing. Allele origin: germline. Affected: yes.
Comment: Frameshift variant predicted to result in protein truncation or nonsense mediated decay in a gene for which loss-of-function is a known mechanism of disease; Not observed in large population cohorts (Lek et al., 2016); Has not been previously published as pathogenic or benign to our knowledge